The following is an entry in ClinVar:

NM_001330078.2(NRXN1):c.3375A>G (p.Thr1125=)

Gene: NRXN1 (neurexin 1; minus strand). Cytogenetic location: 2p16.3.
Variant type: single nucleotide variant.
Coding change: c.3375A>G on transcript NM_001330078.2 (MANE Select); coding-DNA position 3375, A replaced by G.
Protein change: p.Thr1125=; no amino-acid change (threonine 1125 retained).
Molecular consequence: synonymous variant.
Genome position (GRCh38, 1-based): chr2:50,236,960, T>C on the plus strand (A>G on the coding strand, the complement: NRXN1 is on the minus strand). VCF-style: chr2-50236960-T-C. GRCh37 (hg19) VCF-style: chr2-50464098-T-C.
Other names: c.3495A>G, p.Thr1165= (NM_001135659.3); c.3351A>G, p.Thr1117= (NM_001330077.2, NM_001330082.2); c.3309A>G, p.Thr1103= (NM_001330083.2, NM_001330084.2); c.3348A>G, p.Thr1116= (NM_001330085.2); c.3375A>G, p.Thr1125= (NM_001330086.2, NM_004801.6); c.3264A>G, p.Thr1088= (NM_001330087.2, NM_001330096.2); c.3294A>G, p.Thr1098= (NM_001330088.2); c.270A>G, p.Thr90= (NM_001330091.2, NM_001330092.2, NM_001330097.2 and 1 more transcripts); and 3 more.
Identifiers: ClinVar variation 515773 (VCV000515773.13), dbSNP rs757748286, ClinGen allele CA1654468.
Genomic context (GRCh38, chr2:50,236,960, plus strand): 5'-GGGTCGGTCATTAGGAGGCCACTTATACGTGATTTGTCCACCACCTTTGCTAAAGATATA[T>C]GTCGTCCCAGCTGGAAAACAAAAACCAAAACCAATTAGTCCAAATACATCAAGTCTGCAC-3'
Protein context (NP_001317007.1, residues 1115-1135): SGPLCNDPGT[Thr1125=]YIFSKGGGQI

ClinVar aggregate classification (germline): Conflicting classifications of pathogenicity. Review status: criteria provided, conflicting classifications (1 of 4 stars). 3 submissions from 3 submitters: Uncertain significance (1); Likely benign (2). Last evaluated 2025-11-13.

Conditions:
Chromosome 2p16.3 deletion syndrome. Identifiers: MedGen C3808494, MONDO:0013696, OMIM 614332.
Pitt-Hopkins-like syndrome 2 (PTHSL2). Identifiers: Orphanet 221150, Orphanet 600663, MedGen C3280479, MONDO:0013690, OMIM 614325.

Allele frequency attached by ClinVar (database versions not stated): gnomAD exomes below 0.00001 and 0.00001; gnomAD 0.00001; TOPMed 0.00001.
gnomAD v4.1: 6 of 1,612,926 alleles (0.00037%); highest among the groups gnomAD compares: Admixed American, 0.0067%; no homozygotes.

Submissions (3):

Labcorp Genetics (formerly Invitae), Labcorp
Classification: Likely benign for Pitt-Hopkins-like syndrome 2. Last evaluated: 2025-11-13. Review status: criteria provided, single submitter. Criteria: Invitae Variant Classification Sherloc (09022015). Collection method: clinical testing. Allele origin: germline.

GeneDx
Classification: Likely benign. Last evaluated: 2018-03-06. Review status: criteria provided, single submitter. Criteria: GeneDx Variant Classification (06012015). Collection method: clinical testing. Allele origin: germline. Affected: yes.
Comment: This variant is considered likely benign or benign based on one or more of the following criteria: it is a conservative change, it occurs at a poorly conserved position in the protein, it is predicted to be benign by multiple in silico algorithms, and/or has population frequency not consistent with disease.

Center for Genomics, Ann and Robert H. Lurie Children's Hospital of Chicago
Classification: Uncertain significance for Pitt-Hopkins-like syndrome 2; Chromosome 2p16.3 deletion syndrome. Review status: criteria provided, single submitter. Criteria: ACMG Guidelines, 2015. Collection method: clinical testing. Allele origin: germline.
Comment: NRXN1 NM_001135659 exon 19 p.Thr1165Thr (c.3495A>G): This variant has not been reported in the literature but is present in 2/33456 Latino individuals in the Genome Aggregation Database. Evolutionary conservation and computational predictive tools for this variant are limited or unavailable. Of note, this variant is a silent variant and does not change the amino acid, reducing the probability that this variant is disease causing. In summary, data on this variant is insufficient for disease classification. Therefore, the clinical significance of this variant is uncertain.